The following is an entry in ClinVar:

NM_001375765.1(GIGYF1):c.2565C>T (p.Leu855=)

Gene: GIGYF1 (GRB10 interacting GYF protein 1; minus strand). Cytogenetic location: 7q22.1.
Variant type: single nucleotide variant.
Coding change: c.2565C>T on transcript NM_001375765.1 (MANE Select); coding-DNA position 2565, C replaced by T.
Protein change: p.Leu855=; no amino-acid change (leucine 855 retained).
Molecular consequence: synonymous variant. On other transcripts: non-coding transcript variant (1).
Genome position (GRCh38, 1-based): chr7:100,682,625, G>A on the plus strand (C>T on the coding strand, the complement: GIGYF1 is on the minus strand). VCF-style: chr7-100682625-G-A. GRCh37 (hg19) VCF-style: chr7-100280248-G-A.
Other names: NM_022574.4:c.2565C>T; c.2565C>T, p.Leu855= (NM_001375759.1, NM_001375760.1, NM_001375761.1 and 5 more transcripts); c.2562C>T, p.Leu854= (NM_001375768.1).
Identifiers: ClinVar variation 3058387 (VCV003058387.2), dbSNP rs749944650, ClinGen allele CA4388064.

ClinVar aggregate classification (germline): Likely benign (0 of 4 stars; one submission).

Conditions:
GIGYF1-related disorder. Also called: GIGYF1-related condition.

Allele frequency attached by ClinVar (database versions not stated): gnomAD 0.00001; gnomAD exomes 0.00002; TOPMed 0.00002; ExAC 0.00004.
gnomAD v4.1: 39 of 1,597,990 alleles (0.0024%); highest among the groups gnomAD compares: Middle Eastern, 0.017%; no homozygotes.

Submission:

PreventionGenetics, part of Exact Sciences
Classification: Likely benign for GIGYF1-related condition. Last evaluated: 2019-03-22. Review status: no assertion criteria provided. Collection method: clinical testing. Allele origin: germline.
Comment: This variant is classified as likely benign based on ACMG/AMP sequence variant interpretation guidelines (Richards et al. 2015 PMID: 25741868, with internal and published modifications).